The following is an entry in ClinVar:

NM_017570.5(OPLAH):c.1578C>T (p.Asp526=)

Gene: OPLAH (5-oxoprolinase, ATP-hydrolysing; minus strand). Cytogenetic location: 8q24.3.
Variant type: single nucleotide variant.
Coding change: c.1578C>T on transcript NM_017570.5 (MANE Select); coding-DNA position 1578, C replaced by T.
Protein change: p.Asp526=; no amino-acid change (aspartic acid 526 retained).
Molecular consequence: synonymous variant.
Genome position (GRCh38, 1-based): chr8:144,057,076, G>A on the plus strand (C>T on the coding strand, the complement: OPLAH is on the minus strand). VCF-style: chr8-144057076-G-A. GRCh37 (hg19) VCF-style: chr8-145111979-G-A.
Other names: c.1578C>T (NM_017570.4).
Identifiers: ClinVar variation 1168116 (VCV001168116.10), dbSNP rs72695427, ClinGen allele CA4931786.

ClinVar aggregate classification (germline): Benign. Review status: criteria provided, multiple submitters, no conflicts (2 of 4 stars). 3 submissions from 3 submitters: Benign (2). 1 of the submissions does not count toward it. Last evaluated 2026-01-27.

Conditions:
OPLAH-related disorder. Also called: OPLAH-related condition.
5-Oxoprolinase deficiency (OPLAHD). Also called: 5-OXOPROLINURIA DUE TO 5-OXOPROLINASE DEFICIENCY. Identifiers: Orphanet 33572, MedGen C0268525, MONDO:0009825, OMIM 260005, HP:0040142.

Allele frequency attached by ClinVar (database versions not stated): 1000 Genomes Project 0.02496; ESP Exome Variant Server 0.05525; gnomAD 0.05544 and 0.05369; gnomAD exomes 0.07208 and 0.05375; ExAC 0.07858; 1000 Genomes Project 30x 0.02561.
gnomAD v4.1: 112,205 of 1,602,184 alleles (7%); highest among the groups gnomAD compares: Non-Finnish European, 8.2%; 4,610 homozygotes.

Submissions (3):

Labcorp Genetics (formerly Invitae), Labcorp
Classification: Benign for 5-Oxoprolinase deficiency. Last evaluated: 2026-01-27. Review status: criteria provided, single submitter. Criteria: Invitae Variant Classification Sherloc (09022015). Collection method: clinical testing. Allele origin: germline.

Breakthrough Genomics
Classification: Benign. Review status: criteria provided, single submitter. Criteria: ACMG Guidelines, 2015. Collection method: not provided. Allele origin: germline. Inheritance: Autosomal recessive inheritance. Affected: yes.

PreventionGenetics, part of Exact Sciences
Classification: Benign for OPLAH-related condition. Last evaluated: 2020-01-10. Review status: no assertion criteria provided. Collection method: clinical testing. Allele origin: germline. Not counted in ClinVar's aggregate classification.
Comment: This variant is classified as benign based on ACMG/AMP sequence variant interpretation guidelines (Richards et al. 2015 PMID: 25741868, with internal and published modifications).